The following is an entry in ClinVar:

NM_012199.5(AGO1):c.183G>A (p.Pro61=)

Gene: AGO1 (argonaute RISC component 1; plus strand). Cytogenetic location: 1p34.3.
Variant type: single nucleotide variant.
Coding change: c.183G>A on transcript NM_012199.5 (MANE Select); coding-DNA position 183, G replaced by A.
Protein change: p.Pro61=; no amino-acid change (proline 61 retained).
Molecular consequence: synonymous variant. On other transcripts: 5 prime UTR variant (1).
Genome position (GRCh38, 1-based): chr1:35,888,584, G>A. VCF-style: chr1-35888584-G-A. GRCh37 (hg19) VCF-style: chr1-36354185-G-A.
Other names: c.183G>A, p.Pro61= (NM_001317122.2); c.-43G>A (NM_001317123.2).
Identifiers: ClinVar variation 791606 (VCV000791606.6), dbSNP rs74665168, ClinGen allele CA762951.

ClinVar aggregate classification (germline): Benign. Review status: criteria provided, multiple submitters, no conflicts (2 of 4 stars). 3 submissions from 3 submitters: Benign (2). 1 of the submissions does not count toward it. Last evaluated 2019-12-31.

Conditions:
AGO1-related disorder. Also called: AGO1-related condition.

Allele frequency attached by ClinVar (database versions not stated): TOPMed 0.00136; 1000 Genomes Project 30x 0.00172; 1000 Genomes Project 0.00180.
gnomAD v4.1: 1,278 of 1,614,128 alleles (0.079%); highest among the groups gnomAD compares: Admixed American, 1.8%; 19 homozygotes.

Submissions (3):

Labcorp Genetics (formerly Invitae), Labcorp
Classification: Benign. Last evaluated: 2019-12-31. Review status: criteria provided, single submitter. Criteria: Invitae Variant Classification Sherloc (09022015). Collection method: clinical testing. Allele origin: germline.

Breakthrough Genomics
Classification: Benign. Review status: criteria provided, single submitter. Criteria: ACMG Guidelines, 2015. Collection method: not provided. Allele origin: germline. Inheritance: Unknown mechanism. Affected: yes.

PreventionGenetics, part of Exact Sciences
Classification: Likely benign for AGO1-related condition. Last evaluated: 2024-06-06. Review status: no assertion criteria provided. Collection method: clinical testing. Allele origin: germline. Not counted in ClinVar's aggregate classification.
Comment: This variant is classified as likely benign based on ACMG/AMP sequence variant interpretation guidelines (Richards et al. 2015 PMID: 25741868, with internal and published modifications).